The following is an entry in ClinVar:

NM_002470.4(MYH3):c.2045C>A (p.Pro682Gln)

Gene: MYH3 (myosin heavy chain 3; minus strand). Cytogenetic location: 17p13.1.
Variant type: single nucleotide variant.
Coding change: c.2045C>A on transcript NM_002470.4 (MANE Select); coding-DNA position 2045, C replaced by A.
Protein change: p.Pro682Gln; replaces proline 682 with glutamine.
Molecular consequence: missense variant.
Genome position (GRCh38, 1-based): chr17:10,641,287, G>T on the plus strand (C>A on the coding strand, the complement: MYH3 is on the minus strand). VCF-style: chr17-10641287-G-T. GRCh37 (hg19) VCF-style: chr17-10544604-G-T.
Other names: short protein forms P682Q.
Identifiers: ClinVar variation 1299400 (VCV001299400.3), dbSNP rs2142402072, ClinGen allele CA398167248.

ClinVar aggregate classification (germline): Pathogenic (0 of 4 stars; one submission).

Conditions:
Contractures, pterygia, and variable skeletal fusions syndrome 1B. Also called: CONTRACTURES, PTERYGIA, AND SPONDYLOCARPOTARSAL FUSION SYNDROME 1B. Identifiers: MedGen C5193114, MONDO:0020746, OMIM 618469.

Submission:

Joe DiMaggio Children's Hospital, Memorial Healthcare System
Classification: Pathogenic for Contractures, pterygia, and variable skeletal fusions syndrome 1B. Review status: no assertion criteria provided. Collection method: clinical testing. Allele origin: unknown. Inheritance: Autosomal recessive inheritance. Affected: yes. Observed: 1 compound heterozygote.
Comment: "Cameron-Christie et al. (2018) reported 6 patients from 4 families who were compound heterozygous for mutations in the MYH3 gene. Contractures were a consistent finding, affecting variable joints including the neck, shoulders, elbows, fingers, hips, and knees. In addition, all of the patients exhibited vertebral fusions and scoliosis, and most also showed carpal/tarsal fusions as well as webbing involving the neck, elbows, fingers, and/or knees. Other features included facial dysmorphism, short neck, and absent finger flexion creases." Additionally, in silico analysis supports that this missense variant has a deleterious effect on protein structure/ function (GeneDx). The c.2045C>A variant in MYH3 has been observed in compound hetrozygosity with c.2103G>C.

Literature cited by the submitters: PubMed 29805041.